The following is an entry in ClinVar:

NM_006567.5(FARS2):c.1181A>G (p.Glu394Gly)

Gene: FARS2 (phenylalanyl-tRNA synthetase 2, mitochondrial; plus strand). Cytogenetic location: 6p25.1.
Variant type: single nucleotide variant.
Coding change: c.1181A>G on transcript NM_006567.5 (MANE Select); coding-DNA position 1181, A replaced by G.
Protein change: p.Glu394Gly; replaces glutamic acid 394 with glycine.
Molecular consequence: missense variant.
Genome position (GRCh38, 1-based): chr6:5,613,284, A>G. VCF-style: chr6-5613284-A-G. GRCh37 (hg19) VCF-style: chr6-5613517-A-G.
Other names: c.1181A>G, p.Glu394Gly (NM_001318872.2, NM_001374875.1, NM_001374876.1 and 4 more transcripts); c.1049A>G, p.Glu350Gly (NM_001375258.1); c.485A>G, p.Glu162Gly (NM_001375259.1, NM_001375260.1); short protein forms E350G, E162G, E394G.
Identifiers: ClinVar variation 1389745 (VCV001389745.6), dbSNP rs2150673873, ClinGen allele CA362736999.
Genomic context (GRCh38, chr6:5,613,284, plus strand): 5'-AGAATTACGCAGAAAATGATTTCTATGACTTAGTCCGAACAATTGGAGGAGACCTGGTGG[A>G]AAAGGTTGATCTCATAGACAAGTTTGTACATCCAAAGTAAGTGAAAAGCTTTCTGATTTT-3'
Protein context (NP_006558.1, residues 384-404): LVRTIGGDLV[Glu394Gly]KVDLIDKFVH

ClinVar aggregate classification (germline): Uncertain significance (1 of 4 stars; one submission).

Conditions:
Combined oxidative phosphorylation defect type 14. Also called: Combined oxidative phosphorylation deficiency 14. Identifiers: Orphanet 319519, MedGen C4755312, MONDO:0013986, OMIM 614946.

Submission:

Labcorp Genetics (formerly Invitae), Labcorp
Classification: Uncertain significance for Combined oxidative phosphorylation defect type 14. Last evaluated: 2022-07-19. Review status: criteria provided, single submitter. Criteria: Invitae Variant Classification Sherloc (09022015). Collection method: clinical testing. Allele origin: germline.
Comment: ClinVar contains an entry for this variant (Variation ID: 1389745). In summary, the available evidence is currently insufficient to determine the role of this variant in disease. Therefore, it has been classified as a Variant of Uncertain Significance. Advanced modeling of protein sequence and biophysical properties (such as structural, functional, and spatial information, amino acid conservation, physicochemical variation, residue mobility, and thermodynamic stability) performed at Invitae indicates that this missense variant is expected to disrupt FARS2 protein function. This variant has not been reported in the literature in individuals affected with FARS2-related conditions. This variant is not present in population databases (gnomAD no frequency). This sequence change replaces glutamic acid, which is acidic and polar, with glycine, which is neutral and non-polar, at codon 394 of the FARS2 protein (p.Glu394Gly).